The following is an entry in ClinVar:

ClinVar aggregate classification (germline): Uncertain significance. Review status: criteria provided, multiple submitters, no conflicts (2 of 4 stars). 4 submissions from 4 submitters: Uncertain significance (3). 1 of the submissions does not count toward it. Last evaluated 2025-01-27.

Conditions:
Cardiovascular phenotype. Identifiers: MedGen CN230736.
Alstrom syndrome (ALMS). Identifiers: Orphanet 64, MedGen C0268425, MONDO:0008763, OMIM 203800.

Allele frequency attached by ClinVar (database versions not stated): gnomAD exomes 0.00001 and below 0.00001; TOPMed below 0.00001.
gnomAD v4.1: 15 of 1,614,074 alleles (0.00093%); highest among the groups gnomAD compares: Admixed American, 0.0017%; no homozygotes.

Submissions (4):

GeneDx
Classification: Uncertain significance. Last evaluated: 2025-01-27. Review status: criteria provided, single submitter. Criteria: GeneDx Variant Classification Process June 2021. Collection method: clinical testing. Allele origin: germline.
Comment: Identified with a second variant, phase unknown, in siblings with dilated cardiomyopathy in published literature (PMID: 36252119); Not observed at significant frequency in large population cohorts (gnomAD); In silico analysis supports that this missense variant does not alter protein structure/function; This variant is associated with the following publications: (PMID: 36252119)

Ambry Genetics
Classification: Uncertain significance for Cardiovascular phenotype. Last evaluated: 2022-08-11. Review status: criteria provided, single submitter. Criteria: Ambry Variant Classification Scheme 2023. Collection method: clinical testing. Allele origin: germline.
Comment: The p.I3715V variant (also known as c.11143A>G), located in coding exon 16 of the ALMS1 gene, results from an A to G substitution at nucleotide position 11143. The isoleucine at codon 3715 is replaced by valine, an amino acid with highly similar properties. This amino acid position is well conserved in available vertebrate species. In addition, this alteration is predicted to be tolerated by in silico analysis. Since supporting evidence is limited at this time, the clinical significance of this alteration remains unclear.

Labcorp Genetics (formerly Invitae), Labcorp
Classification: Uncertain significance for Alstrom syndrome. Last evaluated: 2022-08-03. Review status: criteria provided, single submitter. Criteria: Invitae Variant Classification Sherloc (09022015). Collection method: clinical testing. Allele origin: germline.
Comment: This sequence change replaces isoleucine, which is neutral and non-polar, with valine, which is neutral and non-polar, at codon 3715 of the ALMS1 protein (p.Ile3715Val). This variant is present in population databases (rs370536187, gnomAD 0.003%). This variant has not been reported in the literature in individuals affected with ALMS1-related conditions. ClinVar contains an entry for this variant (Variation ID: 403934). In summary, the available evidence is currently insufficient to determine the role of this variant in disease. Therefore, it has been classified as a Variant of Uncertain Significance.

Natera, Inc.
Classification: Uncertain significance for Alstrom syndrome. Last evaluated: 2020-08-14. Review status: no assertion criteria provided. Collection method: clinical testing. Allele origin: germline. Not counted in ClinVar's aggregate classification.

NM_001378454.1(ALMS1):c.11140A>G (p.Ile3714Val)

Gene: ALMS1 (ALMS1 centrosome and basal body associated protein; plus strand). Cytogenetic location: 2p13.1.
Variant type: single nucleotide variant.
Coding change: c.11140A>G on transcript NM_001378454.1 (MANE Select); coding-DNA position 11140, A replaced by G.
Protein change: p.Ile3714Val; replaces isoleucine 3714 with valine.
Molecular consequence: missense variant.
Genome position (GRCh38, 1-based): chr2:73,573,017, A>G. VCF-style: chr2-73573017-A-G. GRCh37 (hg19) VCF-style: chr2-73800144-A-G.
Other names: c.11143A>G, p.Ile3715Val (NM_015120.4); short protein forms I3715V, I3714V.
Identifiers: ClinVar variation 403934 (VCV000403934.11), dbSNP rs370536187, ClinGen allele CA16611026.